The following is an entry in ClinVar:

ClinVar aggregate classification (germline): Uncertain significance (1 of 4 stars; one submission).

Allele frequency attached by ClinVar (database versions not stated): gnomAD 0.00001; gnomAD exomes 0.00001; TOPMed 0.00001.
gnomAD v4.1: 9 of 1,549,116 alleles (0.00058%); highest among the groups gnomAD compares: Admixed American, 0.002%; no homozygotes.

Submission:

Labcorp Genetics (formerly Invitae), Labcorp
Classification: Uncertain significance. Last evaluated: 2022-03-23. Review status: criteria provided, single submitter. Criteria: Invitae Variant Classification Sherloc (09022015). Collection method: clinical testing. Allele origin: germline.
Comment: In summary, the available evidence is currently insufficient to determine the role of this variant in disease. Therefore, it has been classified as a Variant of Uncertain Significance. Algorithms developed to predict the effect of missense changes on protein structure and function output the following: SIFT: "Tolerated"; PolyPhen-2: "Possibly Damaging"; Align-GVGD: "Class C0". The arginine amino acid residue is found in multiple mammalian species, which suggests that this missense change does not adversely affect protein function. This variant has not been reported in the literature in individuals affected with OBSL1-related conditions. This variant is not present in population databases (gnomAD no frequency). This sequence change replaces glycine, which is neutral and non-polar, with arginine, which is basic and polar, at codon 1330 of the OBSL1 protein (p.Gly1330Arg).

NM_015311.3(OBSL1):c.3988G>A (p.Gly1330Arg)

Gene: OBSL1 (obscurin like cytoskeletal adaptor 1; minus strand). Cytogenetic location: 2q35.
Variant type: single nucleotide variant.
Coding change: c.3988G>A on transcript NM_015311.3 (MANE Select); coding-DNA position 3988, G replaced by A.
Protein change: p.Gly1330Arg; replaces glycine 1330 with arginine.
Molecular consequence: missense variant.
Genome position (GRCh38, 1-based): chr2:219,557,421, C>T on the plus strand (G>A on the coding strand, the complement: OBSL1 is on the minus strand). VCF-style: chr2-219557421-C-T. GRCh37 (hg19) VCF-style: chr2-220422143-C-T.
Other names: c.3988G>A, p.Gly1330Arg (NM_001173431.2); short protein forms G1330R.
Identifiers: ClinVar variation 2189493 (VCV002189493.3), dbSNP rs1412102810, ClinGen allele CA350732865.